The following is an entry in ClinVar:

NM_014425.5(INVS):c.3092-11_3092-6del

Gene: INVS (inversin; plus strand). Cytogenetic location: 9q31.1.
Variant type: Deletion.
Coding change: c.3092-11_3092-6del on transcript NM_014425.5 (MANE Select); 11 bases into the intron before coding-DNA position 3092 through 6 bases into the intron before coding-DNA position 3092, 6 bases deleted (GTTTTT; older notation c.3092-11_3092-6delGTTTTT).
Molecular consequence: intron variant.
Genome position (GRCh38, 1-based): chr9:100,300,557-100,300,562, GTTTTT deleted; deleting any 6 consecutive bases within chr9:100,300,554-100,300,562 gives the same sequence; the c. name uses the placement nearest the transcript's 3' end. VCF-style (leftmost placement, unchanged base first): chr9-100300553-ATTTGTT-A. GRCh37 (hg19) VCF-style: chr9-103062835-ATTTGTT-A.
Other names: c.2804-11_2804-6del (NM_001318381.2); c.2114-11_2114-6del (NM_001318382.2).
Identifiers: ClinVar variation 1425801 (VCV001425801.4), dbSNP rs1245384768, ClinGen allele CA589799013.

ClinVar aggregate classification (germline): Uncertain significance (1 of 4 stars; one submission).

Conditions:
Nephronophthisis. Also called: Juvenile Nephronophthisis. Identifiers: Orphanet 655, MedGen C0687120, MONDO:0019005, HP:0000090.

Submission:

Labcorp Genetics (formerly Invitae), Labcorp
Classification: Uncertain significance for Nephronophthisis. Last evaluated: 2021-09-02. Review status: criteria provided, single submitter. Criteria: Invitae Variant Classification Sherloc (09022015). Collection method: clinical testing. Allele origin: germline.
Comment: This sequence change falls in intron 16 of the INVS gene. It does not directly change the encoded amino acid sequence of the INVS protein. In summary, the available evidence is currently insufficient to determine the role of this variant in disease. Therefore, it has been classified as a Variant of Uncertain Significance. Algorithms developed to predict the effect of sequence changes on RNA splicing suggest that this variant may disrupt the consensus splice site. This variant has not been reported in the literature in individuals affected with INVS-related conditions. This variant is not present in population databases (ExAC no frequency).